The following is an entry in ClinVar:

ClinVar aggregate classification (germline): Uncertain significance (1 of 4 stars; one submission).

Conditions:
Hereditary cancer-predisposing syndrome. Also called: Neoplastic Syndromes, Hereditary; Tumor predisposition; Hereditary Cancer Syndrome; Hereditary neoplastic syndrome. Identifiers: Orphanet 140162, MedGen C0027672, MeSH D009386, MONDO:0015356.

Submission:

Ambry Genetics
Classification: Uncertain significance for Hereditary cancer-predisposing syndrome. Last evaluated: 2026-05-02. Review status: criteria provided, single submitter. Criteria: Ambry Variant Classification Scheme 2023. Collection method: clinical testing. Allele origin: germline.
Comment: The p.S652P variant (also known as c.1954T>C), located in coding exon 10 of the BRCA2 gene, results from a T to C substitution at nucleotide position 1954. The serine at codon 652 is replaced by proline, an amino acid with similar properties. This amino acid position is conserved. In addition, this alteration is predicted to be tolerated by in silico analysis. Based on the available evidence, the clinical significance of this variant remains unclear.

NM_000059.4(BRCA2):c.1954T>C (p.Ser652Pro)

Gene: BRCA2 (BRCA2 DNA repair associated; plus strand). Cytogenetic location: 13q13.1.
Variant type: single nucleotide variant.
Coding change: c.1954T>C on transcript NM_000059.4 (MANE Select); coding-DNA position 1954, T replaced by C.
Protein change: p.Ser652Pro; replaces serine 652 with proline.
Molecular consequence: missense variant. On other transcripts: non-coding transcript variant (1), intron variant (2).
Genome position (GRCh38, 1-based): chr13:32,336,309, T>C. VCF-style: chr13-32336309-T-C. GRCh37 (hg19) VCF-style: chr13-32910446-T-C.
Other names: c.1954T>C, p.Ser652Pro (NM_001406719.1, NM_001406720.1, NM_001432077.1); c.1909+2922T>C (NM_001406721.1); c.424+5279T>C (NM_001406722.1); short protein forms S652P.
Identifiers: ClinVar variation 4867849 (VCV004867849.1).